The following is an entry in ClinVar:

NM_000143.4(FH):c.1251_1272del (p.His418fs)

Gene: FH (fumarate hydratase; minus strand). Cytogenetic location: 1q43.
Variant type: Deletion.
Coding change: c.1251_1272del on transcript NM_000143.4 (MANE Select); coding-DNA positions 1251 to 1272, 22 bases deleted (ACACTCAGCCAGGCTGCTGGGG).
Protein change: p.His418fs; shifts the reading frame from histidine 418.
Molecular consequence: frameshift variant.
Genome position (GRCh38, 1-based): chr1:241,500,555-241,500,576, CCCCAGCAGCCTGGCTGAGTGT deleted on the plus strand (ACACTCAGCCAGGCTGCTGGGG on the coding strand, the reverse complement: FH is on the minus strand). VCF-style (leftmost placement, unchanged base first): chr1-241500554-CCCCCAGCAGCCTGGCTGAGTGT-C. GRCh37 (hg19) VCF-style: chr1-241663854-CCCCCAGCAGCCTGGCTGAGTGT-C.
Other names: short protein forms H418fs.
Identifiers: ClinVar variation 3652597 (VCV003652597.2).

ClinVar aggregate classification (germline): Pathogenic (1 of 4 stars; one submission).

Submission:

Labcorp Genetics (formerly Invitae), Labcorp
Classification: Pathogenic. Last evaluated: 2024-10-04. Review status: criteria provided, single submitter. Criteria: Invitae Variant Classification Sherloc (09022015). Collection method: clinical testing. Allele origin: germline.
Comment: This sequence change creates a premature translational stop signal (p.His418Metfs*24) in the FH gene. It is expected to result in an absent or disrupted protein product. Loss-of-function variants in FH are known to be pathogenic (PMID: 11865300, 21398687). This variant is not present in population databases (gnomAD no frequency). This variant has not been reported in the literature in individuals affected with FH-related conditions. For these reasons, this variant has been classified as Pathogenic.

Literature cited by the submitters: PubMed 11865300; PubMed 21398687.